The following is an entry in ClinVar:

NM_016929.5(CLIC5):c.173+5C>T

Gene: CLIC5 (chloride intracellular channel 5; minus strand). Cytogenetic location: 6p21.1.
Variant type: single nucleotide variant.
Coding change: c.173+5C>T on transcript NM_016929.5 (MANE Select); 5 bases into the intron after coding-DNA position 173, C replaced by T.
Molecular consequence: intron variant.
Genome position (GRCh38, 1-based): chr6:45,955,130, G>A on the plus strand (C>T on the coding strand, the complement: CLIC5 is on the minus strand). VCF-style: chr6-45955130-G-A. GRCh37 (hg19) VCF-style: chr6-45922867-G-A.
Other names: c.56+5C>T (NM_001370649.1); c.650+5C>T (NM_001370650.1, NM_001114086.2); c.173+5C>T (NM_001256023.2).
Identifiers: ClinVar variation 3628891 (VCV003628891.2).
Genomic context (GRCh38, chr6:45,955,130, plus strand): 5'-TCCTTCATGGAAGGTTCTCTGTTCATGCAGCTAAACATACTCCTCATTTATGCAACGTAC[G>A]TTACCTTTTCAGATCCACAGTGGTGACATTGAACACGACTCCTTTCAGCCAGAGGATCAT-3'

ClinVar aggregate classification (germline): Uncertain significance (1 of 4 stars; one submission).

gnomAD v4.1: 60 of 1,603,060 alleles (0.0037%); highest among the groups gnomAD compares: South Asian, 0.039%; 1 homozygote.

Submission:

Labcorp Genetics (formerly Invitae), Labcorp
Classification: Uncertain significance. Last evaluated: 2024-06-18. Review status: criteria provided, single submitter. Criteria: Invitae Variant Classification Sherloc (09022015). Collection method: clinical testing. Allele origin: germline.
Comment: This sequence change falls in intron 2 of the CLIC5 gene. It does not directly change the encoded amino acid sequence of the CLIC5 protein. It affects a nucleotide within the consensus splice site. This variant is present in population databases (rs755109540, gnomAD 0.05%). This variant has not been reported in the literature in individuals affected with CLIC5-related conditions. Variants that disrupt the consensus splice site are a relatively common cause of aberrant splicing (PMID: 17576681, 9536098). Algorithms developed to predict the effect of sequence changes on RNA splicing suggest that this variant is not likely to affect RNA splicing. In summary, the available evidence is currently insufficient to determine the role of this variant in disease. Therefore, it has been classified as a Variant of Uncertain Significance.

Literature cited by the submitters: PubMed 17576681; PubMed 9536098.